The following is an entry in ClinVar:

NM_014176.4(UBE2T):c.329_330dup (p.Ile111fs)

Gene: UBE2T (ubiquitin conjugating enzyme E2 T; minus strand). Cytogenetic location: 1q32.1.
Variant type: Microsatellite.
Coding change: c.329_330dup on transcript NM_014176.4 (MANE Select); coding-DNA positions 329 to 330, 2 bases duplicated (CT; older notation c.329_330dupCT).
Protein change: p.Ile111fs; shifts the reading frame from isoleucine 111.
Molecular consequence: frameshift variant.
Genome position (GRCh38, 1-based): chr1:202,333,291-202,333,292, AG duplicated on the plus strand (CT on the coding strand, the reverse complement: UBE2T is on the minus strand); duplicating any 2 consecutive bases within chr1:202,333,291-202,333,294 gives the same sequence; the c. name uses the placement nearest the transcript's 3' end. VCF-style (leftmost placement, unchanged base first): chr1-202333290-T-TAG. GRCh37 (hg19) VCF-style: chr1-202302418-T-TAG.
Other names: c.239_240dup, p.Ile81fs (NM_001310326.2); short protein forms I81fs, I111fs.
Identifiers: ClinVar variation 3637902 (VCV003637902.2).

ClinVar aggregate classification (germline): Uncertain significance (1 of 4 stars; one submission).

Submission:

Labcorp Genetics (formerly Invitae), Labcorp
Classification: Uncertain significance. Last evaluated: 2024-02-01. Review status: criteria provided, single submitter. Criteria: Invitae Variant Classification Sherloc (09022015). Collection method: clinical testing. Allele origin: germline.
Comment: This sequence change creates a premature translational stop signal (p.Ile111Leufs*77) in the UBE2T gene. While this is not anticipated to result in nonsense mediated decay, it is expected to disrupt the last 87 amino acid(s) of the UBE2T protein. This variant is not present in population databases (gnomAD no frequency). This variant has not been reported in the literature in individuals affected with UBE2T-related conditions. Experimental studies and prediction algorithms are not available or were not evaluated, and the functional significance of this variant is currently unknown. In summary, the available evidence is currently insufficient to determine the role of this variant in disease. Therefore, it has been classified as a Variant of Uncertain Significance.